The following is an entry in ClinVar:

ClinVar aggregate classification (germline): Benign/Likely benign. Review status: criteria provided, multiple submitters, no conflicts (2 of 4 stars). 3 submissions from 3 submitters: Benign (1); Likely benign (2). Last evaluated 2023-04-01.

Conditions:
Retinitis pigmentosa (RP). Identifiers: Orphanet 791, MedGen C0035334, MeSH D012174, MONDO:0019200, OMIM 268000. Inheritance: Autosomal dominant, autosomal recessive and X linked inheritance.

Allele frequency attached by ClinVar (database versions not stated): 1000 Genomes Project 30x 0.00219; 1000 Genomes Project 0.00240; TOPMed 0.00837.
gnomAD v4.1: 12,911 of 1,217,480 alleles (1.1%); highest among the groups gnomAD compares: Non-Finnish European, 1.3%; 89 homozygotes.

Submissions (3):

CeGaT Center for Human Genetics Tuebingen
Classification: Benign. Last evaluated: 2023-04-01. Review status: criteria provided, single submitter. Criteria: CeGaT Center For Human Genetics Tuebingen Variant Classification Criteria Version 2. Collection method: clinical testing. Allele origin: germline. Affected: yes. Observed: 2 variant alleles.
Comment: PRPF31: BS1, BS2

Illumina Laboratory Services, Illumina
Classification: Likely benign for Retinitis pigmentosa. Last evaluated: 2018-01-13. Review status: criteria provided, single submitter. Criteria: ICSL Variant Classification Criteria 13 December 2019. Collection method: clinical testing. Allele origin: germline.
Comment: This variant was observed in the ICSL laboratory as part of a predisposition screen in an ostensibly healthy population. It had not been previously curated by ICSL or reported in the Human Gene Mutation Database (HGMD: prior to June 1st, 2018), and was therefore a candidate for classification through an automated scoring system. Utilizing variant allele frequency, disease prevalence and penetrance estimates, and inheritance mode, an automated score was calculated to assess if this variant is too frequent to cause the disease. Based on the score and internal cut-off values, a variant classified as likely benign is not then subjected to further curation. The score for this variant resulted in a classification of likely benign for this disease.

Breakthrough Genomics
Classification: Likely benign. Review status: criteria provided, single submitter. Criteria: ACMG Guidelines, 2015. Collection method: not provided. Allele origin: germline. Inheritance: Autosomal dominant inheritance. Affected: yes.

NM_015629.4(PRPF31):c.*152G>A

Gene: PRPF31 (pre-mRNA processing factor 31; plus strand). Cytogenetic location: 19q13.42.
Variant type: single nucleotide variant.
Coding change: c.*152G>A on transcript NM_015629.4 (MANE Select); 152 bases downstream of the stop codon, G replaced by A.
Molecular consequence: 3 prime UTR variant.
Genome position (GRCh38, 1-based): chr19:54,131,584, G>A. VCF-style: chr19-54131584-G-A. GRCh37 (hg19) VCF-style: chr19-54635015-G-A.
Identifiers: ClinVar variation 330114 (VCV000330114.33), dbSNP rs62144169, ClinGen allele CA309332490.